The following is an entry in ClinVar:

ClinVar aggregate classification (germline): Uncertain significance (1 of 4 stars; one submission).

gnomAD v4.1: 2 of 1,613,952 alleles (0.00012%); highest among the groups gnomAD compares: Non-Finnish European, 0.00017%; no homozygotes.

Submission:

Women's Health and Genetics/Laboratory Corporation of America, LabCorp
Classification: Uncertain significance. Last evaluated: 2025-12-24. Review status: criteria provided, single submitter. Criteria: LabCorp Variant Classification Summary - May 2015. Collection method: clinical testing. Allele origin: germline.
Comment: Variant summary: MSX2 c.406C>G (p.Leu136Val) results in a conservative amino acid change in the encoded protein sequence. Algorithms developed to predict the effect of missense changes on protein structure and function are either unavailable or do not agree on the potential impact of this missense change. The variant was absent in 251406 control chromosomes. The available data on variant occurrences in the general population are insufficient to allow any conclusion about variant significance. To our knowledge, no occurrence of c.406C>G in individuals affected with MSX2-related conditions and no experimental evidence demonstrating its impact on protein function have been reported. No submitters have cited clinical-significance assessments for this variant to ClinVar. Based on the evidence outlined above, the variant was classified as uncertain significance.

NM_002449.5(MSX2):c.406C>G (p.Leu136Val)

Gene: MSX2 (msh homeobox 2; plus strand). Cytogenetic location: 5q35.2.
Variant type: single nucleotide variant.
Coding change: c.406C>G on transcript NM_002449.5 (MANE Select); coding-DNA position 406, C replaced by G.
Protein change: p.Leu136Val; replaces leucine 136 with valine.
Molecular consequence: missense variant. On other transcripts: 3 prime UTR variant (1).
Genome position (GRCh38, 1-based): chr5:174,729,185, C>G. VCF-style: chr5-174729185-C-G. GRCh37 (hg19) VCF-style: chr5-174156188-C-G.
Other names: c.*30C>G (NM_001363626.2); short protein forms L136V.
Identifiers: ClinVar variation 4688844 (VCV004688844.1).